The following is an entry in ClinVar:

ClinVar aggregate classification (germline): Uncertain significance. Review status: criteria provided, multiple submitters, no conflicts (2 of 4 stars). 2 submissions from 2 submitters: Uncertain significance (2). Last evaluated 2022-09-19.

Conditions:
Legius syndrome. Identifiers: Orphanet 137605, MedGen C1969623, MONDO:0012669, OMIM 611431. Disease mechanism: loss of function.

Allele frequency attached by ClinVar (database versions not stated): gnomAD exomes below 0.00001.
gnomAD v4.1: 2 of 1,613,680 alleles (0.00012%); highest among the groups gnomAD compares: Non-Finnish European, 0.00017%; no homozygotes.

Submissions (2):

Labcorp Genetics (formerly Invitae), Labcorp
Classification: Uncertain significance for Legius syndrome. Last evaluated: 2022-09-19. Review status: criteria provided, single submitter. Criteria: Invitae Variant Classification Sherloc (09022015). Collection method: clinical testing. Allele origin: germline.
Comment: In summary, the available evidence is currently insufficient to determine the role of this variant in disease. Therefore, it has been classified as a Variant of Uncertain Significance. Algorithms developed to predict the effect of sequence changes on RNA splicing suggest that this variant may create or strengthen a splice site. ClinVar contains an entry for this variant (Variation ID: 373287). This variant has not been reported in the literature in individuals affected with SPRED1-related conditions. This variant is not present in population databases (gnomAD no frequency). This sequence change falls in intron 4 of the SPRED1 gene. It does not directly change the encoded amino acid sequence of the SPRED1 protein.

GeneDx
Classification: Uncertain significance. Last evaluated: 2016-11-14. Review status: criteria provided, single submitter. Criteria: GeneDx Variant Classification (06012015). Collection method: clinical testing. Allele origin: germline. Affected: yes.
Comment: The c.424-4 A>G variant has not been published as a pathogenic variant, nor has it been reported as a benign variant to our knowledge. The variant was not observed in approximately 6,500 individuals of European and African American ancestry in the NHLBI Exome Sequencing Project, indicating it is not a common benign variant in these populations. In-silico splice prediction models are uninformative for the variant's effect on the natural splice acceptor site of intron 4. In the absence of RNA/functional studies, the actual effect of this sequence change in this individual is unknown. Therefore, based on the currently available information, it is unclear whether this variant is a pathogenic variant or a rare benign variant.

NM_152594.3(SPRED1):c.424-4A>G

Gene: SPRED1 (sprouty related EVH1 domain containing 1; plus strand). Cytogenetic location: 15q14.
Variant type: single nucleotide variant.
Coding change: c.424-4A>G on transcript NM_152594.3 (MANE Select); 4 bases into the intron before coding-DNA position 424, A replaced by G.
Molecular consequence: intron variant.
Genome position (GRCh38, 1-based): chr15:38,339,733, A>G. VCF-style: chr15-38339733-A-G. GRCh37 (hg19) VCF-style: chr15-38631934-A-G.
Identifiers: ClinVar variation 373287 (VCV000373287.7), dbSNP rs1057518328, ClinGen allele CA16042947.